The following is an entry in ClinVar:

NM_004813.4(PEX16):c.*158A>G

Gene: PEX16 (peroxisomal biogenesis factor 16; minus strand). Cytogenetic location: 11p11.2.
Variant type: single nucleotide variant.
Coding change: c.*158A>G on transcript NM_004813.4 (MANE Select); 158 bases downstream of the stop codon, A replaced by G.
Molecular consequence: 3 prime UTR variant. On other transcripts: missense variant (1).
Genome position (GRCh38, 1-based): chr11:45,910,096, T>C on the plus strand (A>G on the coding strand, the complement: PEX16 is on the minus strand). VCF-style: chr11-45910096-T-C. GRCh37 (hg19) VCF-style: chr11-45931647-T-C.
Other names: c.1034A>G, p.His345Arg (NM_057174.3); short protein forms H345R.
Identifiers: ClinVar variation 4991966 (VCV004991966.1).

ClinVar aggregate classification (germline): Uncertain significance (1 of 4 stars; one submission).

Conditions:
PEX16-related disorder. Also called: PEX16-related condition.

Submission:

PreventionGenetics, part of Exact Sciences
Classification: Uncertain significance for PEX16-related condition. Last evaluated: 2026-05-22. Review status: criteria provided, single submitter. Criteria: ACMG Guidelines, 2015. Collection method: clinical testing. Allele origin: germline.
Comment: The PEX16 c.1034A>G variant is predicted to result in the amino acid substitution p.His345Arg. To our knowledge, this variant has not been reported in the literature or in a large population database (gnomAD), indicating this variant is rare. At this time, the clinical significance of this variant is uncertain due to the absence of conclusive functional and genetic evidence.